The following is an entry in ClinVar:

NM_000501.4(ELN):c.1151-3C>A

Gene: ELN (elastin; plus strand). Cytogenetic location: 7q11.23.
Variant type: single nucleotide variant.
Coding change: c.1151-3C>A on transcript NM_000501.4 (MANE Select); 3 bases into the intron before coding-DNA position 1151, C replaced by A.
Molecular consequence: intron variant.
Genome position (GRCh38, 1-based): chr7:74,056,268, C>A. VCF-style: chr7-74056268-C-A. GRCh37 (hg19) VCF-style: chr7-73470598-C-A.
Other names: c.1166-3C>A (NM_001081754.3, NM_001081753.3); c.1151-3C>A (NM_001278939.2, NM_001278915.2, NM_001278912.2 and 1 more transcripts); c.1109-3C>A (NM_001278916.2); c.1043-3C>A (NM_001278913.2); c.1136-3C>A (NM_001278914.2); c.1121-3C>A (NM_001278917.2, NM_001081752.3); c.1019-3C>A (NM_001278918.2).
Identifiers: ClinVar variation 3730687 (VCV003730687.2).

ClinVar aggregate classification (germline): Uncertain significance (1 of 4 stars; one submission).

Conditions:
Supravalvar aortic stenosis (SVAS). Also called: Supravalvar aortic stenosis, Eisenberg type. Identifiers: Orphanet 3193, MedGen C0003499, MONDO:0008504, OMIM 185500, HP:0004381.

Submission:

Labcorp Genetics (formerly Invitae), Labcorp
Classification: Uncertain significance for Supravalvar aortic stenosis. Last evaluated: 2024-09-10. Review status: criteria provided, single submitter. Criteria: Invitae Variant Classification Sherloc (09022015). Collection method: clinical testing. Allele origin: germline.
Comment: This sequence change falls in intron 19 of the ELN gene. It does not directly change the encoded amino acid sequence of the ELN protein. It affects a nucleotide within the consensus splice site. This variant is not present in population databases (gnomAD no frequency). This variant has not been reported in the literature in individuals affected with ELN-related conditions. Variants that disrupt the consensus splice site are a relatively common cause of aberrant splicing (PMID: 17576681, 9536098). Algorithms developed to predict the effect of sequence changes on RNA splicing suggest that this variant may disrupt the consensus splice site. In summary, the available evidence is currently insufficient to determine the role of this variant in disease. Therefore, it has been classified as a Variant of Uncertain Significance.

Literature cited by the submitters: PubMed 17576681; PubMed 9536098.